The following is an entry in ClinVar:

NM_000245.4(MET):c.3935+6T>G

Gene: MET (MET proto-oncogene, receptor tyrosine kinase; plus strand). Cytogenetic location: 7q31.2.
Variant type: single nucleotide variant.
Coding change: c.3935+6T>G on transcript NM_000245.4 (MANE Select); 6 bases into the intron after coding-DNA position 3935, T replaced by G.
Molecular consequence: intron variant.
Genome position (GRCh38, 1-based): chr7:116,795,797, T>G. VCF-style: chr7-116795797-T-G. GRCh37 (hg19) VCF-style: chr7-116435851-T-G.
Other names: c.3989+6T>G (NM_001127500.3); c.2645+6T>G (NM_001324402.2).
Identifiers: ClinVar variation 4762537 (VCV004762537.1).

ClinVar aggregate classification (germline): Uncertain significance (1 of 4 stars; one submission).

Conditions:
Renal cell carcinoma. Identifiers: Orphanet 217071, MedGen C0007134, MeSH D002292, MONDO:0005086, HP:0005584.

gnomAD v4.1: 1 of 1,614,216 alleles (0.000062%); no homozygotes.

Submission:

Labcorp Genetics (formerly Invitae), Labcorp
Classification: Uncertain significance for Renal cell carcinoma. Last evaluated: 2025-12-19. Review status: criteria provided, single submitter. Criteria: Invitae Variant Classification Sherloc (09022015). Collection method: clinical testing. Allele origin: germline.
Comment: This sequence change falls in intron 20 of the MET gene. It does not directly change the encoded amino acid sequence of the MET protein. It affects a nucleotide within the consensus splice site. This variant is present in population databases (no rsID available, gnomAD 0.003%). This variant has not been reported in the literature in individuals affected with MET-related conditions. Variants that disrupt the consensus splice site are a relatively common cause of aberrant splicing (PMID: 17576681, 9536098). Algorithms developed to predict the effect of sequence changes on RNA splicing suggest that this variant is not likely to affect RNA splicing. In summary, the available evidence is currently insufficient to determine the role of this variant in disease. Therefore, it has been classified as a Variant of Uncertain Significance.

Literature cited by the submitters: PubMed 17576681; PubMed 9536098.